The following is an entry in ClinVar:

ClinVar aggregate classification (germline): Likely benign (1 of 4 stars; one submission).

Allele frequency attached by ClinVar (database versions not stated): gnomAD 0.00001.
gnomAD v4.1: 3 of 1,203,470 alleles (0.00025%); highest among the groups gnomAD compares: Admixed American, 0.0022%; no homozygotes.

Submission:

CeGaT Center for Human Genetics Tuebingen
Classification: Likely benign. Last evaluated: 2023-01-01. Review status: criteria provided, single submitter. Criteria: CeGaT Center For Human Genetics Tuebingen Variant Classification Criteria Version 2. Collection method: clinical testing. Allele origin: germline. Affected: yes. Observed: 1 variant allele.
Comment: PLXNA3: BP4, BP7

NM_017514.5(PLXNA3):c.1512G>C (p.Gly504=)

Gene: PLXNA3 (plexin A3; plus strand). Cytogenetic location: Xq28.
Variant type: single nucleotide variant.
Coding change: c.1512G>C on transcript NM_017514.5 (MANE Select); coding-DNA position 1512, G replaced by C.
Protein change: p.Gly504=; no amino-acid change (glycine 504 retained).
Molecular consequence: synonymous variant.
Genome position (GRCh38, 1-based): chrX:154,463,655, G>C. VCF-style: chrX-154463655-G-C. GRCh37 (hg19) VCF-style: chrX-153691998-G-C.
Identifiers: ClinVar variation 2661833 (VCV002661833.24), dbSNP rs2069018869, ClinGen allele CA519712110.
Genomic context (GRCh38, chrX:154,463,655, plus strand): 5'-CCAGCTCCCGGTGGAGACCTGTGAGCAGTACCAGAGCTGCGCAGCCTGCCTGGGCTCCGG[G>C]GACCCGCACTGTGGTTGGTGTGTGCTGCGACACAGGTGAGGGCGGGGACCCCTGCTCGGG-3'
Protein context (NP_059984.3, residues 494-514): YQSCAACLGS[Gly504=]DPHCGWCVLR